The following is an entry in ClinVar:

NM_004260.4(RECQL4):c.686G>A (p.Gly229Asp)

Gene: RECQL4 (RecQ like helicase 4; minus strand). Cytogenetic location: 8q24.3.
Variant type: single nucleotide variant.
Coding change: c.686G>A on transcript NM_004260.4 (MANE Select); coding-DNA position 686, G replaced by A.
Protein change: p.Gly229Asp; replaces glycine 229 with aspartic acid.
Molecular consequence: missense variant.
Genome position (GRCh38, 1-based): chr8:144,516,433, C>T on the plus strand (G>A on the coding strand, the complement: RECQL4 is on the minus strand). VCF-style: chr8-144516433-C-T. GRCh37 (hg19) VCF-style: chr8-145741817-C-T.
Other names: c.686G>A (NM_004260.3); short protein forms G229D.
Identifiers: ClinVar variation 1053496 (VCV001053496.4), dbSNP rs1049360087, ClinGen allele CA187689083.

ClinVar aggregate classification (germline): Uncertain significance. Review status: criteria provided, multiple submitters, no conflicts (2 of 4 stars). 2 submissions from 2 submitters: Uncertain significance (2). Last evaluated 2025-02-14.

Conditions:
Inborn genetic diseases. Identifiers: MedGen C0950123, MeSH D030342.
Baller-Gerold syndrome (BGS). Also called: CRANIOSYNOSTOSIS WITH RADIAL DEFECTS. Identifiers: Orphanet 1225, MedGen C0265308, MONDO:0009039, OMIM 218600.

Allele frequency attached by ClinVar (database versions not stated): TOPMed below 0.00001.

Submissions (2):

Ambry Genetics
Classification: Uncertain significance for Inborn genetic diseases. Last evaluated: 2025-02-14. Review status: criteria provided, single submitter. Criteria: Ambry Variant Classification Scheme 2023. Collection method: clinical testing. Allele origin: germline.
Comment: The p.G229D variant (also known as c.686G>A), located in coding exon 5 of the RECQL4 gene, results from a G to A substitution at nucleotide position 686. The glycine at codon 229 is replaced by aspartic acid, an amino acid with similar properties. This amino acid position is conserved. In addition, this alteration is predicted to be tolerated by in silico analysis. Based on the available evidence, the clinical significance of this variant remains unclear.

Labcorp Genetics (formerly Invitae), Labcorp
Classification: Uncertain significance for Baller-Gerold syndrome. Last evaluated: 2024-04-29. Review status: criteria provided, single submitter. Criteria: Invitae Variant Classification Sherloc (09022015). Collection method: clinical testing. Allele origin: germline.
Comment: This sequence change replaces glycine, which is neutral and non-polar, with aspartic acid, which is acidic and polar, at codon 229 of the RECQL4 protein (p.Gly229Asp). This variant is not present in population databases (gnomAD no frequency). This variant has not been reported in the literature in individuals affected with RECQL4-related conditions. ClinVar contains an entry for this variant (Variation ID: 1053496). Experimental studies and prediction algorithms are not available or were not evaluated, and the functional significance of this variant is currently unknown. Algorithms developed to predict the effect of sequence changes on RNA splicing suggest that this variant may create or strengthen a splice site. In summary, the available evidence is currently insufficient to determine the role of this variant in disease. Therefore, it has been classified as a Variant of Uncertain Significance.